The following is an entry in ClinVar:

NM_006231.4(POLE):c.4090C>T (p.Arg1364Cys)

Gene: POLE (DNA polymerase epsilon, catalytic subunit; minus strand). Cytogenetic location: 12q24.33.
Variant type: single nucleotide variant.
Coding change: c.4090C>T on transcript NM_006231.4 (MANE Select); coding-DNA position 4090, C replaced by T.
Protein change: p.Arg1364Cys; replaces arginine 1364 with cysteine.
Molecular consequence: missense variant.
Genome position (GRCh38, 1-based): chr12:132,648,988, G>A on the plus strand (C>T on the coding strand, the complement: POLE is on the minus strand). VCF-style: chr12-132648988-G-A. GRCh37 (hg19) VCF-style: chr12-133225574-G-A.
Other names: short protein forms R1364C.
Identifiers: ClinVar variation 405621 (VCV000405621.23), dbSNP rs770024304, ClinGen allele CA6893003.

ClinVar aggregate classification (germline): Uncertain significance. Review status: criteria provided, multiple submitters, no conflicts (2 of 4 stars). 8 submissions from 8 submitters: Uncertain significance (8). Last evaluated 2026-02-03.

Conditions:
Polymerase proofreading-related adenomatous polyposis. Also called: Polymerase proofreading associated polyposis; Polymerase proofreading–associated polyposis (PPAP). Identifiers: Orphanet 447877, MedGen C5202613, MONDO:0018653.
Hereditary cancer-predisposing syndrome. Also called: Hereditary neoplastic syndrome; Neoplastic Syndromes, Hereditary; Hereditary Cancer Syndrome; Tumor predisposition. Identifiers: Orphanet 140162, MedGen C0027672, MeSH D009386, MONDO:0015356.
Facial dysmorphism-immunodeficiency-livedo-short stature syndrome. Also called: Facial dysmorphism, immunodeficiency, livedo, and short stature; FILS syndrome. Identifiers: Orphanet 352712, MedGen C3554576, MONDO:0014058, OMIM 615139.

Allele frequency attached by ClinVar (database versions not stated): ExAC 0.00001; gnomAD 0.00002; gnomAD exomes 0.00002; TOPMed 0.00002.
gnomAD v4.1: 39 of 1,613,910 alleles (0.0024%); highest among the groups gnomAD compares: Non-Finnish European, 0.0025%; no homozygotes.

Submissions (8):

Labcorp Genetics (formerly Invitae), Labcorp
Classification: Uncertain significance. Last evaluated: 2026-02-03. Review status: criteria provided, single submitter. Criteria: Invitae Variant Classification Sherloc (09022015). Collection method: clinical testing. Allele origin: germline.
Comment: This sequence change replaces arginine, which is basic and polar, with cysteine, which is neutral and slightly polar, at codon 1364 of the POLE protein (p.Arg1364Cys). This variant is present in population databases (rs770024304, gnomAD 0.02%). This variant has not been reported in the literature in individuals affected with POLE-related conditions. ClinVar contains an entry for this variant (Variation ID: 405621). Invitae Evidence Modeling of protein sequence and biophysical properties (such as structural, functional, and spatial information, amino acid conservation, physicochemical variation, residue mobility, and thermodynamic stability) indicates that this missense variant is expected to disrupt POLE protein function with a positive predictive value of 80%. In summary, the available evidence is currently insufficient to determine the role of this variant in disease. Therefore, it has been classified as a Variant of Uncertain Significance.

GeneDx
Classification: Uncertain significance. Last evaluated: 2025-03-24. Review status: criteria provided, single submitter. Criteria: GeneDx Variant Classification Process June 2021. Collection method: clinical testing. Allele origin: germline. Affected: yes.
Comment: In silico analysis supports that this missense variant has a deleterious effect on protein structure/function; Observed in individual(s) with breast cancer (PMID: 28569218); This variant is associated with the following publications: (PMID: 29056344, 28569218)

Ambry Genetics
Classification: Uncertain significance for Hereditary cancer-predisposing syndrome. Last evaluated: 2024-12-23. Review status: criteria provided, single submitter. Criteria: Ambry Variant Classification Scheme 2023. Collection method: clinical testing. Allele origin: germline.
Comment: The p.R1364C variant (also known as c.4090C>T), located in coding exon 32 of the POLE gene, results from a C to T substitution at nucleotide position 4090. The arginine at codon 1364 is replaced by cysteine, an amino acid with highly dissimilar properties. This amino acid position is highly conserved in available vertebrate species. In addition, this alteration is predicted to be deleterious by in silico analysis. Based on the available evidence, the clinical significance of this variant remains unclear.

Institute for Clinical Genetics, University Hospital TU Dresden, University Hospital TU Dresden
Classification: Uncertain significance. Last evaluated: 2021-11-03. Review status: criteria provided, single submitter. Criteria: ACMG Guidelines, 2015. Collection method: clinical testing. Allele origin: germline.

Baylor Genetics
Classification: Uncertain significance for Facial dysmorphism-immunodeficiency-livedo-short stature syndrome. Last evaluated: 2020-11-25. Review status: criteria provided, single submitter. Criteria: ACMG Guidelines, 2015. Collection method: clinical testing. Allele origin: unknown. Affected: yes. Study: CSER-TexasKidsCanSeq.
Comment: This variant was determined to be of uncertain significance according to ACMG Guidelines, 2015 [PMID:25741868].

Blueprint Genetics
Classification: Uncertain significance. Last evaluated: 2020-08-04. Review status: criteria provided, single submitter. Criteria: ACMG Guidelines, 2015. Collection method: clinical testing. Allele origin: germline.

Department of Pathology and Laboratory Medicine, Sinai Health System
Classification: Uncertain significance for Polymerase proofreading-related adenomatous polyposis. Last evaluated: 2020-07-03. Review status: criteria provided, single submitter. Criteria: ACMG Guidelines, 2015. Collection method: clinical testing. Allele origin: germline. Affected: yes.

Laboratory for Molecular Medicine, Mass General Brigham Personalized Medicine
Classification: Uncertain significance. Last evaluated: 2016-12-28. Review status: criteria provided, single submitter. Criteria: LMM Criteria. Collection method: clinical testing. Allele origin: germline. Observed: 1 variant allele.
Comment: The p.Arg1364Cys variant in POLE has not been previously reported in individuals with colorectal cancer, but has been identified in 1/66324 of European chromoso mes by the Exome Aggregation Consortium (ExAC; d bSNP rs770024304). Computational prediction tools and conservation analysis sugg est that the p.Arg1364Cys variant may impact the protein, though this informatio n is not predictive enough to determine pathogenicity. In summary, the clinical significance of the p.Arg1364Cys variant is uncertain.